The following is an entry in ClinVar:

NM_004985.5(KRAS):c.197_198insTGACCTGCT (p.Ala66_Met67insAspLeuLeu)

Gene: KRAS (KRAS proto-oncogene, GTPase; minus strand). Cytogenetic location: 12p12.1.
Variant type: Insertion.
Coding change: c.197_198insTGACCTGCT on transcript NM_004985.5 (MANE Select); coding-DNA positions 197 to 198, TGACCTGCT inserted.
Protein change: p.Ala66_Met67insAspLeuLeu.
Molecular consequence: inframe insertion.
Genome position: GRCh38 VCF-style: chr12-25227326-T-TAGCAGGTCA. GRCh37 (hg19) VCF-style: chr12-25380260-T-TAGCAGGTCA.
Other names: c.197_198insTGACCTGCT, p.Ala66_Met67insAspLeuLeu (NM_001369786.1, NM_001369787.1, NM_033360.4).
Identifiers: ClinVar variation 1172833 (VCV001172833.3), dbSNP rs2141509932, ClinGen allele CA2499221593.

ClinVar aggregate classification (germline): Pathogenic (1 of 4 stars; one submission).

Conditions:
Capillary Telangiectasia, Brain. Identifiers: MeSH D020785.

Submission:

Seattle Children's Hospital Molecular Genetics Laboratory, Seattle Children's Hospital
Classification: Pathogenic for Capillary Telangiectasia, Brain. Last evaluated: 2020-06-23. Review status: criteria provided, single submitter. Criteria: ACMG Guidelines, 2015. Collection method: clinical testing. Allele origin: somatic. Inheritance: Somatic mutation. Affected: yes. Observed: 1 variant allele, 1 heterozygote.
Comment: This result is consistent with a diagnosis of a mosaic KRAS related intracranial vascular malformation. A likely pathogenic variant was identified in exon 3 of the KRAS gene, NM_004985.5: c.197_198insTGACCTGCT, p.Ala66_Met67insAspLeuLeu. This variant was identified in ~12% of reads (depth of coverage =404), consistent with somatic origin. The insertion of 9 nucleotides causes an in frame insertion of three amino acids, Asparagine, Leucine, Leucine, denoted p.Ala66_Met67insAspLeuLeu. This amino acid change occurs at a position within the "switch II" domain of the K-Ras protein that is highly conserved across species. Different insertion mutations within this domain have been reported to disrupt GTP hydrolysis and result in constitutive K-Ras activation. The functional effect of p.Ala66_Met67insAspLeuLeu has not been experimentally tested. Activating Â KRAS somatic mutations are the most commonly identified genetic cause of arteriovenous malformations of the brain, occuring Â primarily in three major hotspots, Gly12, Gly13 and Gln61.

Literature cited by the submitters: PubMed 26854029; PubMed 18669174; PubMed 29298116; PubMed 30544177.